The following is an entry in ClinVar:

ClinVar aggregate classification (germline): Uncertain significance (1 of 4 stars; one submission).

Allele frequency attached by ClinVar (database versions not stated): gnomAD 0.00003; TOPMed 0.00004; ESP Exome Variant Server 0.00008.
gnomAD v4.1: 21 of 1,613,994 alleles (0.0013%); highest among the groups gnomAD compares: Middle Eastern, 0.016%; no homozygotes.

Submission:

Labcorp Genetics (formerly Invitae), Labcorp
Classification: Uncertain significance. Last evaluated: 2024-12-02. Review status: criteria provided, single submitter. Criteria: Invitae Variant Classification Sherloc (09022015). Collection method: clinical testing. Allele origin: germline.
Comment: This sequence change replaces glutamic acid, which is acidic and polar, with lysine, which is basic and polar, at codon 139 of the ADAMTS18 protein (p.Glu139Lys). This variant is present in population databases (rs370138720, gnomAD 0.009%). This variant has not been reported in the literature in individuals affected with ADAMTS18-related conditions. ClinVar contains an entry for this variant (Variation ID: 938888). An algorithm developed to predict the effect of missense changes on protein structure and function (PolyPhen-2) suggests that this variant is likely to be tolerated. In summary, the available evidence is currently insufficient to determine the role of this variant in disease. Therefore, it has been classified as a Variant of Uncertain Significance.

NM_199355.4(ADAMTS18):c.415G>A (p.Glu139Lys)

Gene: ADAMTS18 (ADAM metallopeptidase with thrombospondin type 1 motif 18; minus strand). Cytogenetic location: 16q23.1.
Variant type: single nucleotide variant.
Coding change: c.415G>A on transcript NM_199355.4 (MANE Select); coding-DNA position 415, G replaced by A.
Protein change: p.Glu139Lys; replaces glutamic acid 139 with lysine.
Molecular consequence: missense variant. On other transcripts: 5 prime UTR variant (1).
Genome position (GRCh38, 1-based): chr16:77,431,375, C>T on the plus strand (G>A on the coding strand, the complement: ADAMTS18 is on the minus strand). VCF-style: chr16-77431375-C-T. GRCh37 (hg19) VCF-style: chr16-77465272-C-T.
Other names: c.-106G>A (NM_001326358.2); short protein forms E139K.
Identifiers: ClinVar variation 938888 (VCV000938888.9), dbSNP rs370138720, ClinGen allele CA8181684.